The following is an entry in ClinVar:

ClinVar aggregate classification (germline): Benign/Likely benign. Review status: criteria provided, multiple submitters, no conflicts (2 of 4 stars). 2 submissions from 2 submitters: Benign (1); Likely benign (1). Last evaluated 2024-04-05.

Conditions:
Familial adenomatous polyposis 1 (FAP1). Also called: FAMILIAL ADENOMATOUS POLYPOSIS 1, ATTENUATED; POLYPOSIS, ADENOMATOUS INTESTINAL. Identifiers: MedGen C2713442, MONDO:0021056, OMIM 175100. Disease mechanism: loss of function.

gnomAD v4.1: 1 of 1,613,998 alleles (0.000062%); highest among the groups gnomAD compares: Non-Finnish European, 0.000085%; no homozygotes.

Submissions (2):

Myriad Genetics, Inc.
Classification: Benign for Familial adenomatous polyposis 1. Last evaluated: 2024-04-05. Review status: criteria provided, single submitter. Criteria: Myriad Autosomal Dominant, Autosomal Recessive and X-Linked Classification Criteria (2023). Collection method: clinical testing. Allele origin: unknown.
Comment: This variant is considered benign. This variant is a silent/synonymous amino acid change and it is not expected to impact splicing.

Labcorp Genetics (formerly Invitae), Labcorp
Classification: Likely benign for Familial adenomatous polyposis 1. Last evaluated: 2024-03-19. Review status: criteria provided, single submitter. Criteria: Invitae Variant Classification Sherloc (09022015). Collection method: clinical testing. Allele origin: germline.

NM_000038.6(APC):c.6852T>C (p.Pro2284=)

Gene: APC (APC regulator of Wnt signaling pathway; plus strand). Cytogenetic location: 5q22.2.
Variant type: single nucleotide variant.
Coding change: c.6852T>C on transcript NM_000038.6 (MANE Select); coding-DNA position 6852, T replaced by C.
Protein change: p.Pro2284=; no amino-acid change (proline 2284 retained).
Molecular consequence: synonymous variant. On other transcripts: non-coding transcript variant (2).
Genome position (GRCh38, 1-based): chr5:112,842,446, T>C. VCF-style: chr5-112842446-T-C. GRCh37 (hg19) VCF-style: chr5-112178143-T-C.
Other names: c.6852T>C, p.Pro2284= (NM_001127510.3, NM_001354895.2, NM_001407450.1); c.6798T>C, p.Pro2266= (NM_001127511.3); c.6906T>C, p.Pro2302= (NM_001354896.2, NM_001407447.1, NM_001407448.1 and 1 more transcripts); c.6882T>C, p.Pro2294= (NM_001354897.2); c.6777T>C, p.Pro2259= (NM_001354898.2); c.6768T>C, p.Pro2256= (NM_001354899.2); c.6729T>C, p.Pro2243= (NM_001354900.2); c.6675T>C, p.Pro2225= (NM_001354901.2, NM_001407453.1); and 11 more.
Identifiers: ClinVar variation 3254139 (VCV003254139.3), dbSNP rs1428908199.